The following is an entry in ClinVar:

ClinVar aggregate classification (germline): Uncertain significance. Review status: criteria provided, multiple submitters, no conflicts (2 of 4 stars). 2 submissions from 2 submitters: Uncertain significance (2). Last evaluated 2025-09-10.

Conditions:
DNASE2-related disorder. Also called: DNASE2-related condition.

Submissions (2):

Labcorp Genetics (formerly Invitae), Labcorp
Classification: Uncertain significance. Last evaluated: 2025-09-10. Review status: criteria provided, single submitter. Criteria: Invitae Variant Classification Sherloc (09022015). Collection method: clinical testing. Allele origin: germline.
Comment: This sequence change replaces methionine, which is neutral and non-polar, with isoleucine, which is neutral and non-polar, at codon 110 of the DNASE2 protein (p.Met110Ile). This variant is present in population databases (no rsID available, gnomAD 0.002%). This variant has not been reported in the literature in individuals affected with DNASE2-related conditions. ClinVar contains an entry for this variant (Variation ID: 2628708). An algorithm developed to predict the effect of missense changes on protein structure and function (PolyPhen-2) suggests that this variant is likely to be tolerated. In summary, the available evidence is currently insufficient to determine the role of this variant in disease. Therefore, it has been classified as a Variant of Uncertain Significance.

PreventionGenetics, part of Exact Sciences
Classification: Uncertain significance for DNASE2-related condition. Last evaluated: 2023-05-10. Review status: criteria provided, single submitter. Criteria: ACMG Guidelines, 2015. Collection method: clinical testing. Allele origin: germline.
Comment: The DNASE2 c.330G>A variant is predicted to result in the amino acid substitution p.Met110Ile. To our knowledge, this variant has not been reported in the literature. This variant is reported in 0.0018% of alleles in individuals of European (Non-Finnish) descent in gnomAD. At this time, the clinical significance of this variant is uncertain due to the absence of conclusive functional and genetic evidence.

NM_001375.3(DNASE2):c.330G>A (p.Met110Ile)

Gene: DNASE2 (deoxyribonuclease 2, lysosomal; minus strand). Cytogenetic location: 19p13.13.
Variant type: single nucleotide variant.
Coding change: c.330G>A on transcript NM_001375.3 (MANE Select); coding-DNA position 330, G replaced by A.
Protein change: p.Met110Ile; replaces methionine 110 with isoleucine.
Molecular consequence: missense variant.
Genome position (GRCh38, 1-based): chr19:12,880,818, C>T on the plus strand (G>A on the coding strand, the complement: DNASE2 is on the minus strand). VCF-style: chr19-12880818-C-T. GRCh37 (hg19) VCF-style: chr19-12991632-C-T.
Other names: short protein forms M110I.
Identifiers: ClinVar variation 2628708 (VCV002628708.2), dbSNP rs1378476377, ClinGen allele CA404302010.